The following is an entry in ClinVar:

NM_017667.4(VPS50):c.1361+1G>T

Gene: VPS50 (VPS50 subunit of EARP/GARPII complex; plus strand). Cytogenetic location: 7q21.2.
Variant type: single nucleotide variant.
Coding change: c.1361+1G>T on transcript NM_017667.4 (MANE Select); the canonical splice donor site of the intron after coding-DNA position 1361, G replaced by T.
Molecular consequence: splice donor variant.
Genome position (GRCh38, 1-based): chr7:93,297,244, G>T. VCF-style: chr7-93297244-G-T. GRCh37 (hg19) VCF-style: chr7-92926556-G-T.
Other names: c.1271+1G>T (NM_001257998.2).
Identifiers: ClinVar variation 2506030 (VCV002506030.1), dbSNP rs1157958323, ClinGen allele CA368215318.

ClinVar aggregate classification (germline): Uncertain significance (1 of 4 stars; one submission).

Allele frequency attached by ClinVar (database versions not stated): gnomAD exomes below 0.00001.
gnomAD v4.1: 2 of 1,540,446 alleles (0.00013%); highest among the groups gnomAD compares: Non-Finnish European, 0.000086%; no homozygotes.

Submission:

Women's Health and Genetics/Laboratory Corporation of America, LabCorp
Classification: Uncertain significance. Last evaluated: 2023-05-12. Review status: criteria provided, single submitter. Criteria: LabCorp Variant Classification Summary - May 2015. Collection method: clinical testing. Allele origin: germline.
Comment: Variant summary: CCDC132 c.1361+1G>T is located in a canonical splice-site and is predicted to affect mRNA splicing resulting in a significantly altered protein due to either exon skipping, shortening, or inclusion of intronic material in a gene where molecular mechanism is uncertain. Several computational tools predict a significant impact on normal splicing: Three predict the variant abolishes the canonicala 5' splicing donor site. However, these predictions have yet to be confirmed by functional studies. The variant was absent in 190874 control chromosomes (gnomAD). The available data on variant occurrences in the general population are insufficient to allow any conclusion about variant significance. To our knowledge, no occurrence of c.1361+1G>T in individuals affected with Neurodevelopmental Disorder With Microcephaly, Seizures, And Neonatal Cholestasis and no experimental evidence demonstrating its impact on protein function have been reported. No clinical diagnostic laboratories have submitted clinical-significance assessments for this variant to ClinVar after 2014. Based on the evidence outlined above, the variant was classified as uncertain significance.